The following is an entry in ClinVar:

NM_006231.4(POLE):c.5926C>A (p.Leu1976Met)

Gene: POLE (DNA polymerase epsilon, catalytic subunit; minus strand). Cytogenetic location: 12q24.33.
Variant type: single nucleotide variant.
Coding change: c.5926C>A on transcript NM_006231.4 (MANE Select); coding-DNA position 5926, C replaced by A.
Protein change: p.Leu1976Met; replaces leucine 1976 with methionine.
Molecular consequence: missense variant.
Genome position (GRCh38, 1-based): chr12:132,634,264, G>T on the plus strand (C>A on the coding strand, the complement: POLE is on the minus strand). VCF-style: chr12-132634264-G-T. GRCh37 (hg19) VCF-style: chr12-133210850-G-T.
Other names: short protein forms L1976M.
Identifiers: ClinVar variation 540781 (VCV000540781.13), dbSNP rs1555221202, ClinGen allele CA387371579.
Genomic context (GRCh38, chr12:132,634,264, plus strand): 5'-AGTAGTTCTGGCAGGAGGCTGCCTGTGGCAAAAACTGCAAAATGTTCCAGTTGTTTTCCA[G>T]TAAATCCTCCACGTTGGATTCCTCCGCCTCTTCCTCCTCCTCCCCATCTCTTTCCTCCTC-3'
Protein context (NP_006222.2, residues 1966-1986): EAEESNVEDL[Leu1976Met]ENNWNILQFL

ClinVar aggregate classification (germline): Conflicting classifications of pathogenicity. Review status: criteria provided, conflicting classifications (1 of 4 stars). 3 submissions from 3 submitters: Uncertain significance (2); Likely benign (1). Last evaluated 2025-07-18.

Conditions:
Hereditary cancer-predisposing syndrome. Also called: Neoplastic Syndromes, Hereditary; Hereditary Cancer Syndrome; Hereditary neoplastic syndrome; Tumor predisposition. Identifiers: Orphanet 140162, MedGen C0027672, MeSH D009386, MONDO:0015356.

Allele frequency attached by ClinVar (database versions not stated): TOPMed below 0.00001.
gnomAD v4.1: 1 of 1,614,174 alleles (0.000062%); highest among the groups gnomAD compares: Admixed American, 0.0017%; no homozygotes.

Submissions (3):

Ambry Genetics
Classification: Likely benign for Hereditary cancer-predisposing syndrome. Last evaluated: 2025-07-18. Review status: criteria provided, single submitter. Criteria: Ambry Variant Classification Scheme 2023. Collection method: clinical testing. Allele origin: germline.

Labcorp Genetics (formerly Invitae), Labcorp
Classification: Uncertain significance. Last evaluated: 2025-06-15. Review status: criteria provided, single submitter. Criteria: Invitae Variant Classification Sherloc (09022015). Collection method: clinical testing. Allele origin: germline.
Comment: This sequence change replaces leucine, which is neutral and non-polar, with methionine, which is neutral and non-polar, at codon 1976 of the POLE protein (p.Leu1976Met). This variant is not present in population databases (gnomAD no frequency). This variant has not been reported in the literature in individuals affected with POLE-related conditions. ClinVar contains an entry for this variant (Variation ID: 540781). Invitae Evidence Modeling of protein sequence and biophysical properties (such as structural, functional, and spatial information, amino acid conservation, physicochemical variation, residue mobility, and thermodynamic stability) indicates that this missense variant is not expected to disrupt POLE protein function with a negative predictive value of 80%. In summary, the available evidence is currently insufficient to determine the role of this variant in disease. Therefore, it has been classified as a Variant of Uncertain Significance.

GeneDx
Classification: Uncertain significance. Last evaluated: 2024-01-17. Review status: criteria provided, single submitter. Criteria: GeneDx Variant Classification Process June 2021. Collection method: clinical testing. Allele origin: germline. Affected: yes.
Comment: Not observed at significant frequency in large population cohorts (gnomAD); In silico analysis supports that this missense variant does not alter protein structure/function; Has not been previously published as pathogenic or benign to our knowledge